The following is an entry in ClinVar:

NM_000548.5(TSC2):c.5312C>T (p.Pro1771Leu)

Genes: PKD1 (polycystin 1, transient receptor potential channel interacting; minus strand), TSC2 (TSC complex subunit 2; plus strand). Cytogenetic location: 16p13.3.
Variant type: single nucleotide variant.
Coding change: c.5312C>T on transcript NM_000548.5 (MANE Select); coding-DNA position 5312, C replaced by T.
Protein change: p.Pro1771Leu; replaces proline 1771 with leucine.
Molecular consequence: missense variant.
Genome position (GRCh38, 1-based): chr16:2,088,498, C>T. VCF-style: chr16-2088498-C-T. GRCh37 (hg19) VCF-style: chr16-2138499-C-T.
Other names: p.Pro1771Leu; c.5111C>T, p.Pro1704Leu (NM_001077183.3); c.5243C>T, p.Pro1748Leu (NM_001114382.3); c.5003C>T, p.Pro1668Leu (NM_001318827.2); c.4967C>T, p.Pro1656Leu (NM_001318829.2); c.4580C>T, p.Pro1527Leu (NM_001318831.2); c.5144C>T, p.Pro1715Leu (NM_001318832.2); c.5114C>T, p.Pro1705Leu (NM_001363528.2); and 4 more; short protein forms P1771L, P1668L, P1704L, P1724L, P1728L, P1705L, P1715L, P1527L.
Identifiers: ClinVar variation 49370 (VCV000049370.59), dbSNP rs137854214, ClinGen allele CA022380.
Genomic context (GRCh38, chr16:2,088,498, plus strand): 5'-GCCTTCAGATCTGCGAGGAAGCCGCCTACTCCAACCCCAGCCTACCTCTGGTGCACCCTC[C>T]GTCCCATAGCAAAGCCCCTGCACAGACTCCAGCCGAGCCCACACCTGGCTATGAGGTGGG-3'
Protein context (NP_000539.2, residues 1761-1781): SNPSLPLVHP[Pro1771Leu]SHSKAPAQTP

ClinVar aggregate classification (germline): Benign/Likely benign. Review status: criteria provided, multiple submitters, no conflicts (2 of 4 stars). 14 submissions from 14 submitters: Benign (7); Likely benign (5). 2 of the submissions do not count toward it. Last evaluated 2026-01-28.

Conditions:
TSC2-related disorder. Also called: TSC2-related condition; TSC2-Related Disorders.
Hereditary cancer-predisposing syndrome. Also called: Hereditary Cancer Syndrome; Tumor predisposition; Neoplastic Syndromes, Hereditary; Hereditary neoplastic syndrome. Identifiers: Orphanet 140162, MedGen C0027672, MeSH D009386, MONDO:0015356.
Tuberous sclerosis syndrome (TSC). Also called: Tuberous Sclerosis Complex; Tuberous sclerosis. Identifiers: Orphanet 805, MedGen C0041341, MONDO:0001734.
Polycystic kidney disease, adult type (PKD1). Also called: Polycystic Kidney, Autosomal Dominant; POLYCYSTIC KIDNEY DISEASE 1 WITH OR WITHOUT POLYCYSTIC LIVER DISEASE; Polycystic Kidney Disease 1, Autosomal Dominant; Polycystic kidney disease 1; Polycystic kidney disease 1, severe; POLYCYSTIC KIDNEY DISEASE, ADULT, TYPE I. Identifiers: MedGen C3149841, MONDO:0008263, OMIM 173900.
Tuberous sclerosis 2 (TSC2). Identifiers: Orphanet 805, MedGen C1860707, MONDO:0013199, OMIM 613254.

Allele frequency attached by ClinVar (database versions not stated): gnomAD exomes 0.00018; ExAC 0.00023; ESP Exome Variant Server 0.00031; gnomAD 0.00046 and 0.00048; TOPMed 0.00053; 1000 Genomes Project 0.00100; 1000 Genomes Project 30x 0.00125.
gnomAD v4.1: 201 of 1,612,874 alleles (0.012%); highest among the groups gnomAD compares: African/African-American, 0.15%; 1 homozygote.

Submissions (14):

Labcorp Genetics (formerly Invitae), Labcorp
Classification: Benign for Tuberous sclerosis 2. Last evaluated: 2026-01-28. Review status: criteria provided, single submitter. Criteria: Invitae Variant Classification Sherloc (09022015). Collection method: clinical testing. Allele origin: germline.

Myriad Genetics, Inc.
Classification: Likely benign for Tuberous sclerosis 2. Last evaluated: 2025-06-06. Review status: criteria provided, single submitter. Criteria: Myriad Autosomal Dominant, Autosomal Recessive and X-Linked Classification Criteria (2023). Collection method: clinical testing. Allele origin: unknown.
Comment: This variant is considered likely benign. This variant has been observed at a population frequency that is significantly greater than expected given the associated disease prevalence and penetrance.

KCCC/NGS Laboratory, Kuwait Cancer Control Center
Classification: Benign for Polycystic kidney disease, adult type. Last evaluated: 2025-02-01. Review status: criteria provided, single submitter. Criteria: ACMG Guidelines, 2015. Collection method: clinical testing. Allele origin: germline. Affected: no.

Mayo Clinic Laboratories, Mayo Clinic
Classification: Benign. Last evaluated: 2024-11-17. Review status: criteria provided, single submitter. Criteria: ACMG Guidelines, 2015. Collection method: clinical testing. Allele origin: germline. Observed: 1 variant allele.
Comment: BS1, BS2, BS3_supporting

Blueprint Genetics
Classification: Likely benign. Last evaluated: 2024-11-11. Review status: criteria provided, single submitter. Criteria: ACMG Guidelines, 2015. Collection method: clinical testing. Allele origin: germline.

Women's Health and Genetics/Laboratory Corporation of America, LabCorp
Classification: Likely benign. Last evaluated: 2024-04-29. Review status: criteria provided, single submitter. Criteria: LabCorp Variant Classification Summary - May 2015. Collection method: clinical testing. Allele origin: germline.

CeGaT Center for Human Genetics Tuebingen
Classification: Likely benign. Last evaluated: 2023-12-01. Review status: criteria provided, single submitter. Criteria: CeGaT Center For Human Genetics Tuebingen Variant Classification Criteria Version 2. Collection method: clinical testing. Allele origin: germline. Affected: yes. Observed: 1 variant allele.
Comment: TSC2: BP4, BS1

Color Diagnostics, LLC DBA Color Health
Classification: Benign for Tuberous sclerosis syndrome. Last evaluated: 2022-08-31. Review status: criteria provided, single submitter. Criteria: ACMG Guidelines, 2015. Collection method: clinical testing. Allele origin: germline.

Genome-Nilou Lab
Classification: Benign for Tuberous sclerosis 2. Last evaluated: 2021-11-07. Review status: criteria provided, single submitter. Criteria: ACMG Guidelines, 2015. Collection method: clinical testing. Allele origin: germline. Affected: no.

Sema4
Classification: Benign for Hereditary cancer-predisposing syndrome. Last evaluated: 2021-02-23. Review status: criteria provided, single submitter. Criteria: Sema4 Curation Guidelines. Collection method: curation. Allele origin: germline.

Ambry Genetics
Classification: Likely benign for Hereditary cancer-predisposing syndrome. Last evaluated: 2018-10-18. Review status: criteria provided, single submitter. Criteria: Ambry Variant Classification Scheme 2023. Collection method: clinical testing. Allele origin: germline.

GeneDx
Classification: Benign. Last evaluated: 2018-07-18. Review status: criteria provided, single submitter. Criteria: GeneDx Variant Classification Process June 2021. Collection method: clinical testing. Allele origin: germline. Affected: yes.
Comment: This variant is associated with the following publications: (PMID: 22903760)

PreventionGenetics, part of Exact Sciences
Classification: Likely benign for TSC2-related condition. Last evaluated: 2021-11-15. Review status: no assertion criteria provided. Collection method: clinical testing. Allele origin: germline. Not counted in ClinVar's aggregate classification.
Comment: This variant is classified as likely benign based on ACMG/AMP sequence variant interpretation guidelines (Richards et al. 2015 PMID: 25741868, with internal and published modifications).

Tuberous sclerosis database (TSC2)
No classification provided. Condition: TSC. Review status: no classification provided. Criteria: Tuberous Sclerosis Database Assertion Criteria 2015. Collection method: curation. Allele origin: germline. Affected: yes. Not counted in ClinVar's aggregate classification.

Literature cited by the submitters: PubMed 22903760 (cited by Mayo Clinic Laboratories, Mayo Clinic and Ambry Genetics).